The following is an entry in ClinVar:

ClinVar aggregate classification (germline): Uncertain significance. Review status: criteria provided, multiple submitters, no conflicts (2 of 4 stars). 2 submissions from 2 submitters: Uncertain significance (2). Last evaluated 2026-06-24.

Conditions:
Familial thoracic aortic aneurysm and aortic dissection (TAAD). Also called: Thoracic aortic aneurysms and dissections. Identifiers: Orphanet 91387, MedGen C4707243, MONDO:0019625.

Submissions (2):

Ambry Genetics
Classification: Uncertain significance for Familial thoracic aortic aneurysm and aortic dissection. Last evaluated: 2026-06-24. Review status: criteria provided, single submitter. Criteria: Ambry Variant Classification Scheme 2023. Collection method: clinical testing. Allele origin: germline.

Women's Health and Genetics/Laboratory Corporation of America, LabCorp
Classification: Uncertain significance. Last evaluated: 2025-06-16. Review status: criteria provided, single submitter. Criteria: LabCorp Variant Classification Summary - May 2015. Collection method: clinical testing. Allele origin: germline.
Comment: Variant summary: COL5A2 c.3500G>C (p.Gly1167Ala) results in a non-conservative amino acid change in the encoded protein sequence. Algorithms developed to predict the effect of missense changes on protein structure and function all suggest that this variant is likely to be disruptive. The variant was absent in 241490 control chromosomes. The available data on variant occurrences in the general population are insufficient to allow any conclusion about variant significance. To our knowledge, no occurrence of c.3500G>C in individuals affected with Ehlers-Danlos syndrome, classic type, 2 and no experimental evidence demonstrating its impact on protein function have been reported. No submitters have cited clinical-significance assessments for this variant to ClinVar. Based on the evidence outlined above, the variant was classified as uncertain significance.

NM_000393.5(COL5A2):c.3500G>C (p.Gly1167Ala)

Gene: COL5A2 (collagen type V alpha 2 chain; minus strand). Cytogenetic location: 2q32.2.
Variant type: single nucleotide variant.
Coding change: c.3500G>C on transcript NM_000393.5 (MANE Select); coding-DNA position 3500, G replaced by C.
Protein change: p.Gly1167Ala; replaces glycine 1167 with alanine.
Molecular consequence: missense variant.
Genome position (GRCh38, 1-based): chr2:189,042,745, C>G on the plus strand (G>C on the coding strand, the complement: COL5A2 is on the minus strand). VCF-style: chr2-189042745-C-G. GRCh37 (hg19) VCF-style: chr2-189907471-C-G.
Other names: c.3500G>C (NM_000393.3); short protein forms G1167A.
Identifiers: ClinVar variation 3907093 (VCV003907093.2).